The following is an entry in ClinVar:

ClinVar aggregate classification (germline): Uncertain significance (1 of 4 stars; one submission).

Conditions:
Brachyolmia-amelogenesis imperfecta syndrome. Also called: Tooth agenesis, selective, 6; Dental anomalies and short stature; PLATYSPONDYLY WITH AMELOGENESIS IMPERFECTA. Identifiers: Orphanet 2899, MedGen C1832594, MONDO:0011018, OMIM 601216. Disease mechanism: loss of function.

Submission:

Labcorp Genetics (formerly Invitae), Labcorp
Classification: Uncertain significance for Brachyolmia-amelogenesis imperfecta syndrome. Last evaluated: 2024-06-29. Review status: criteria provided, single submitter. Criteria: Invitae Variant Classification Sherloc (09022015). Collection method: clinical testing. Allele origin: germline.
Comment: This sequence change replaces proline, which is neutral and non-polar, with leucine, which is neutral and non-polar, at codon 501 of the LTBP3 protein (p.Pro501Leu). This variant is not present in population databases (gnomAD no frequency). This variant has not been reported in the literature in individuals affected with LTBP3-related conditions. An algorithm developed to predict the effect of missense changes on protein structure and function (PolyPhen-2) suggests that this variant is likely to be disruptive. In summary, the available evidence is currently insufficient to determine the role of this variant in disease. Therefore, it has been classified as a Variant of Uncertain Significance.

NM_001130144.3(LTBP3):c.1502C>T (p.Pro501Leu)

Gene: LTBP3 (latent transforming growth factor beta binding protein 3; minus strand). Cytogenetic location: 11q13.1.
Variant type: single nucleotide variant.
Coding change: c.1502C>T on transcript NM_001130144.3 (MANE Select); coding-DNA position 1502, C replaced by T.
Protein change: p.Pro501Leu; replaces proline 501 with leucine.
Molecular consequence: missense variant.
Genome position (GRCh38, 1-based): chr11:65,552,001, G>A on the plus strand (C>T on the coding strand, the complement: LTBP3 is on the minus strand). VCF-style: chr11-65552001-G-A. GRCh37 (hg19) VCF-style: chr11-65319472-G-A.
Other names: c.1151C>T, p.Pro384Leu (NM_001164266.1); c.1502C>T, p.Pro501Leu (NM_021070.4); short protein forms P384L, P501L.
Identifiers: ClinVar variation 3657616 (VCV003657616.2).